The following is an entry in ClinVar:

ClinVar aggregate classification (germline): Uncertain significance (1 of 4 stars; one submission).

Conditions:
Hereditary cancer-predisposing syndrome. Also called: Tumor predisposition; Hereditary Cancer Syndrome; Hereditary neoplastic syndrome; Neoplastic Syndromes, Hereditary. Identifiers: Orphanet 140162, MedGen C0027672, MeSH D009386, MONDO:0015356.

Submission:

Ambry Genetics
Classification: Uncertain significance for Hereditary cancer-predisposing syndrome. Last evaluated: 2024-08-05. Review status: criteria provided, single submitter. Criteria: Ambry Variant Classification Scheme 2023. Collection method: clinical testing. Allele origin: germline.
Comment: The p.P174T variant (also known as c.520C>A), located in coding exon 4 of the FH gene, results from a C to A substitution at nucleotide position 520. The proline at codon 174 is replaced by threonine, an amino acid with highly similar properties. This nucleotide position is highly conserved in available vertebrate species. This amino acid position is highly conserved in available vertebrate species. In addition, this alteration is predicted to be deleterious by in silico analysis. Based on the available evidence, the clinical significance of this variant remains unclear.

NM_000143.4(FH):c.520C>A (p.Pro174Thr)

Gene: FH (fumarate hydratase; minus strand). Cytogenetic location: 1q43.
Variant type: single nucleotide variant.
Coding change: c.520C>A on transcript NM_000143.4 (MANE Select); coding-DNA position 520, C replaced by A.
Protein change: p.Pro174Thr; replaces proline 174 with threonine.
Molecular consequence: missense variant.
Genome position (GRCh38, 1-based): chr1:241,512,002, G>T on the plus strand (C>A on the coding strand, the complement: FH is on the minus strand). VCF-style: chr1-241512002-G-T. GRCh37 (hg19) VCF-style: chr1-241675302-G-T.
Other names: short protein forms P174T.
Identifiers: ClinVar variation 485573 (VCV000485573.6), dbSNP rs1553341598, ClinGen allele CA345439919.